The following is an entry in ClinVar:

ClinVar aggregate classification (germline): Uncertain significance (1 of 4 stars; one submission).

Conditions:
Hereditary cancer-predisposing syndrome. Also called: Neoplastic Syndromes, Hereditary; Tumor predisposition; Hereditary Cancer Syndrome; Hereditary neoplastic syndrome. Identifiers: Orphanet 140162, MedGen C0027672, MeSH D009386, MONDO:0015356.

Submission:

Ambry Genetics
Classification: Uncertain significance for Hereditary cancer-predisposing syndrome. Last evaluated: 2026-06-10. Review status: criteria provided, single submitter. Criteria: Ambry Variant Classification Scheme 2023. Collection method: clinical testing. Allele origin: germline.
Comment: The p.S2797T variant (also known as c.8390G>C), located in coding exon 15 of the APC gene, results from a G to C substitution at nucleotide position 8390. The serine at codon 2797 is replaced by threonine, an amino acid with similar properties. This amino acid position is conserved. In addition, in silico predictors for this gene do not accurately predict pathogenicity. Based on the available evidence, the clinical significance of this variant remains unclear.

NM_000038.6(APC):c.8390G>C (p.Ser2797Thr)

Gene: APC (APC regulator of Wnt signaling pathway; plus strand). Cytogenetic location: 5q22.2.
Variant type: single nucleotide variant.
Coding change: c.8390G>C on transcript NM_000038.6 (MANE Select); coding-DNA position 8390, G replaced by C.
Protein change: p.Ser2797Thr; replaces serine 2797 with threonine.
Molecular consequence: missense variant. On other transcripts: non-coding transcript variant (2).
Genome position (GRCh38, 1-based): chr5:112,843,984, G>C. VCF-style: chr5-112843984-G-C. GRCh37 (hg19) VCF-style: chr5-112179681-G-C.
Other names: c.8390G>C, p.Ser2797Thr (NM_001127510.3, NM_001354895.2, NM_001407450.1); c.8336G>C, p.Ser2779Thr (NM_001127511.3); c.8444G>C, p.Ser2815Thr (NM_001354896.2, NM_001407447.1, NM_001407448.1 and 1 more transcripts); c.8420G>C, p.Ser2807Thr (NM_001354897.2); c.8315G>C, p.Ser2772Thr (NM_001354898.2); c.8306G>C, p.Ser2769Thr (NM_001354899.2); c.8267G>C, p.Ser2756Thr (NM_001354900.2); c.8213G>C, p.Ser2738Thr (NM_001354901.2, NM_001407453.1); and 11 more; short protein forms S2413T, S2514T, S2637T, S2668T, S2671T, S2696T, S2706T, S2714T.
Identifiers: ClinVar variation 4862088 (VCV004862088.1).